The following is an entry in ClinVar:

NM_004304.5(ALK):c.1859G>C (p.Arg620Thr)

Gene: ALK (ALK receptor tyrosine kinase; minus strand). Cytogenetic location: 2p23.2.
Variant type: single nucleotide variant.
Coding change: c.1859G>C on transcript NM_004304.5 (MANE Select); coding-DNA position 1859, G replaced by C.
Protein change: p.Arg620Thr; replaces arginine 620 with threonine.
Molecular consequence: missense variant.
Genome position (GRCh38, 1-based): chr2:29,275,455, C>G on the plus strand (G>C on the coding strand, the complement: ALK is on the minus strand). VCF-style: chr2-29275455-C-G. GRCh37 (hg19) VCF-style: chr2-29498321-C-G.
Other names: short protein forms R620T.
Identifiers: ClinVar variation 860412 (VCV000860412.10), dbSNP rs1665516911, ClinGen allele CA346479966.
Genomic context (GRCh38, chr2:29,275,455, plus strand): 5'-AACTCACTGGTGAGGTAGCAGTCCAGGCTGATGGAGATATTGTCAAAAGCCACGATGGCT[C>G]TGGATCCTTGTCCCCACCATGCGACCATCTGCAGCCAGAACCTGTACACATCAAGAGGAA-3'
Protein context (NP_004295.2, residues 610-630): QMVAWWGQGS[Arg620Thr]AIVAFDNISI

ClinVar aggregate classification (germline): Uncertain significance. Review status: criteria provided, multiple submitters, no conflicts (2 of 4 stars). 2 submissions from 2 submitters: Uncertain significance (2). Last evaluated 2025-07-28.

Conditions:
Hereditary cancer-predisposing syndrome. Also called: Hereditary neoplastic syndrome; Tumor predisposition; Neoplastic Syndromes, Hereditary; Hereditary Cancer Syndrome. Identifiers: Orphanet 140162, MedGen C0027672, MeSH D009386, MONDO:0015356.
Neuroblastoma, susceptibility to, 3. Also called: ALK-Related Neuroblastic Tumor Susceptibility. Identifiers: Orphanet 635, MedGen C2751681, MONDO:0013083, OMIM 613014.

Submissions (2):

Ambry Genetics
Classification: Uncertain significance for Hereditary cancer-predisposing syndrome. Last evaluated: 2025-07-28. Review status: criteria provided, single submitter. Criteria: Ambry Variant Classification Scheme 2023. Collection method: clinical testing. Allele origin: germline.
Comment: The p.R620T variant (also known as c.1859G>C), located in coding exon 10 of the ALK gene, results from a G to C substitution at nucleotide position 1859. The arginine at codon 620 is replaced by threonine, an amino acid with similar properties. This amino acid position is conserved. In addition, this alteration is predicted to be tolerated by in silico analysis. Based on the available evidence, the clinical significance of this variant remains unclear.

Labcorp Genetics (formerly Invitae), Labcorp
Classification: Uncertain significance for Neuroblastoma, susceptibility to, 3. Last evaluated: 2024-06-29. Review status: criteria provided, single submitter. Criteria: Invitae Variant Classification Sherloc (09022015). Collection method: clinical testing. Allele origin: germline.
Comment: This sequence change replaces arginine, which is basic and polar, with threonine, which is neutral and polar, at codon 620 of the ALK protein (p.Arg620Thr). This variant is not present in population databases (gnomAD no frequency). This variant has not been reported in the literature in individuals affected with ALK-related conditions. ClinVar contains an entry for this variant (Variation ID: 860412). An algorithm developed to predict the effect of missense changes on protein structure and function (PolyPhen-2) suggests that this variant is likely to be tolerated. In summary, the available evidence is currently insufficient to determine the role of this variant in disease. Therefore, it has been classified as a Variant of Uncertain Significance.